The following is an entry in ClinVar:

ClinVar aggregate classification (germline): Conflicting classifications of pathogenicity. Review status: criteria provided, conflicting classifications (1 of 4 stars). 4 submissions from 4 submitters: Pathogenic (1); Likely pathogenic (1); Uncertain significance (2). Last evaluated 2025-02-04.

Conditions:
Polycystic kidney disease, adult type (PKD1). Also called: Polycystic Kidney, Autosomal Dominant; Polycystic Kidney Disease 1, Autosomal Dominant; Polycystic kidney disease 1; Polycystic kidney disease 1, severe; POLYCYSTIC KIDNEY DISEASE 1 WITH OR WITHOUT POLYCYSTIC LIVER DISEASE; POLYCYSTIC KIDNEY DISEASE, ADULT, TYPE I. Identifiers: MedGen C3149841, MONDO:0008263, OMIM 173900.

Submissions (4):

Department of Pathology and Laboratory Medicine, Sinai Health System
Classification: Uncertain significance for Polycystic kidney disease, adult type. Last evaluated: 2025-02-04. Review status: criteria provided, single submitter. Criteria: ACMG Guidelines, 2015. Collection method: clinical testing. Allele origin: germline.

Swedish Neurofibromatosis Center, Swedish Medical Center
Classification: Likely pathogenic for Polycystic kidney disease, adult type. Last evaluated: 2020-04-17. Review status: criteria provided, single submitter. Criteria: ACMG Guidelines, 2015. Collection method: clinical testing. Allele origin: germline. Inheritance: Autosomal dominant inheritance. Affected: yes. Observed: 1 heterozygote.

ARUP Laboratories, Molecular Genetics and Genomics, ARUP Laboratories
Classification: Uncertain significance for Polycystic kidney disease, adult type. Last evaluated: 2020-04-01. Review status: criteria provided, single submitter. Criteria: ARUP Molecular Germline Variant Investigation Process. Collection method: clinical testing. Allele origin: germline.
Comment: The PKD1 c.12465T>G; p.Phe4155Leu variant is reported in the literature in individuals affected with autosomal dominant polycystic kidney disease (ADPKD) (Hwang 2016). This variant is absent from general population databases (Exome Variant Server, Genome Aggregation Database), indicating it is not a common polymorphism. The phenylalanine at codon 4155 is highly conserved, and] computational analyses (SIFT, PolyPhen-2) predict that this variant is deleterious. Additionally, another variant at this codon (c.12463T>G; p.Phe4155Val) has been reported in individuals with ADPKD (Tan 2009). However, given the lack of clinical and functional data, the significance of the p.Phe4155Leu variant is uncertain at this time. References: Hwang YH et al. Refining Genotype-Phenotype Correlation in Autosomal Dominant Polycystic Kidney Disease. J Am Soc Nephrol. 2016 Jun;27(6):1861-8. Tan YC et al. Novel method for genomic analysis of PKD1 and PKD2 mutations in autosomal dominant polycystic kidney disease. Hum Mutat. 2009 Feb;30(2):264-73.

Cavalleri Lab, Royal College of Surgeons in Ireland
Classification: Pathogenic for Polycystic kidney disease, adult type. Last evaluated: 2020-02-05. Review status: criteria provided, single submitter. Criteria: ACMG Guidelines, 2015. Collection method: research. Allele origin: unknown. Inheritance: Autosomal dominant inheritance. Affected: yes.
Comment: PM2, PP3, PP4

Literature cited by the submitters: PubMed 26453610 (cited by Department of Pathology and Laboratory Medicine, Sinai Health System).

NM_001009944.3(PKD1):c.12465T>G (p.Phe4155Leu)

Gene: PKD1 (polycystin 1, transient receptor potential channel interacting; minus strand). Cytogenetic location: 16p13.3.
Variant type: single nucleotide variant.
Coding change: c.12465T>G on transcript NM_001009944.3 (MANE Select); coding-DNA position 12465, T replaced by G.
Protein change: p.Phe4155Leu; replaces phenylalanine 4155 with leucine.
Molecular consequence: missense variant.
Genome position (GRCh38, 1-based): chr16:2,090,174, A>C on the plus strand (T>G on the coding strand, the complement: PKD1 is on the minus strand). VCF-style: chr16-2090174-A-C. GRCh37 (hg19) VCF-style: chr16-2140175-A-C.
Other names: c.12462T>G, p.Phe4154Leu (NM_000296.4); short protein forms F4154L, F4155L.
Identifiers: ClinVar variation 870597 (VCV000870597.13), dbSNP rs2091413514, ClinGen allele CA394322793.